The following is an entry in ClinVar:

NM_007294.4(BRCA1):c.4505del (p.Pro1502fs)

Gene: BRCA1 (BRCA1 DNA repair associated; minus strand). Cytogenetic location: 17q21.31.
Variant type: Deletion.
Coding change: c.4505del on transcript NM_007294.4 (MANE Select); coding-DNA position 4505, one base deleted (C; older notation c.4505delC).
Protein change: p.Pro1502fs; shifts the reading frame from proline 1502.
Molecular consequence: frameshift variant. On other transcripts: non-coding transcript variant (1).
Genome position (GRCh38, 1-based): chr17:43,074,501, G deleted on the plus strand (C on the coding strand, the reverse complement: BRCA1 is on the minus strand); the first of 3 consecutive G bases (chr17:43,074,501-43,074,503); deleting any one gives the same sequence. VCF-style (leftmost placement, unchanged base first): chr17-43074500-TG-T. GRCh37 (hg19) VCF-style: chr17-41226517-TG-T.
Other names: c.4290delC, p.Pro1431Hisfs (NM_001407571.1, NM_001407894.1, NM_001407895.1 and 12 more transcripts); c.4569delC, p.Pro1524Hisfs (NM_001407581.1, NM_001407582.1); c.4566delC, p.Pro1523Hisfs (NM_001407583.1, NM_001407585.1, NM_001407587.1); c.4563delC, p.Pro1522Hisfs (NM_001407590.1, NM_001407591.1); c.4503delC, p.Pro1502Hisfs (NM_001407593.1, NM_001407594.1, NM_001407596.1 and 8 more transcripts); c.4500delC, p.Pro1501Hisfs (NM_001407610.1, NM_001407611.1, NM_001407612.1 and 17 more transcripts); c.4497delC, p.Pro1500Hisfs (NM_001407627.1, NM_001407628.1, NM_001407629.1 and 14 more transcripts); c.4494delC, p.Pro1499Hisfs (NM_001407644.1, NM_001407645.1); and 72 more; short protein forms P1523fs, P1502fs, P398fs, P1455fs.
Identifiers: ClinVar variation 482901 (VCV000482901.6), dbSNP rs1555582069, ClinGen allele CA658656637.

ClinVar aggregate classification (germline): Pathogenic (1 of 4 stars; one submission).

Conditions:
Hereditary cancer-predisposing syndrome. Also called: Neoplastic Syndromes, Hereditary; Tumor predisposition; Hereditary Cancer Syndrome; Hereditary neoplastic syndrome. Identifiers: Orphanet 140162, MedGen C0027672, MeSH D009386, MONDO:0015356.

Submission:

Ambry Genetics
Classification: Pathogenic for Hereditary cancer-predisposing syndrome. Last evaluated: 2016-04-01. Review status: criteria provided, single submitter. Criteria: Ambry Variant Classification Scheme 2023. Collection method: clinical testing. Allele origin: germline.
Comment: The c.4505delC pathogenic mutation, located in coding exon 13 of the BRCA1 gene, results from a deletion of one nucleotide at nucleotide position 4505, causing a translational frameshift with a predicted alternate stop codon. Since frameshifts are typically deleterious in nature, this alteration is interpreted as a disease-causing mutation (ACMG Recommendations for Standards for Interpretation and Reporting of Sequence Variations. Revision 2007. Genet Med. 2008;10:294).